The following is an entry in ClinVar:

NM_000334.4(SCN4A):c.2023C>T (p.Arg675Trp)

Genes: GH-LCR (growth hormone locus control region; plus strand), SCN4A (sodium voltage-gated channel alpha subunit 4; minus strand). Cytogenetic location: 17q23.3.
Variant type: single nucleotide variant.
Coding change: c.2023C>T on transcript NM_000334.4 (MANE Select); coding-DNA position 2023, C replaced by T.
Protein change: p.Arg675Trp; replaces arginine 675 with tryptophan.
Molecular consequence: missense variant.
Genome position (GRCh38, 1-based): chr17:63,957,515, G>A on the plus strand (C>T on the coding strand, the complement: SCN4A is on the minus strand). VCF-style: chr17-63957515-G-A. GRCh37 (hg19) VCF-style: chr17-62034875-G-A.
Other names: short protein forms R675W.
Identifiers: ClinVar variation 5902 (VCV000005902.60), dbSNP rs121908556, ClinGen allele CA117839.
Genomic context (GRCh38, chr17:63,957,515, plus strand): 5'-TGCCAATGATCTTGATGAGCATGTTCAGCGTTGGCCACGACTTGGCCAGCTTGAAGACCC[G>A]CAGCTGCCAAGCAGGGAGGGCAAGGGTGAATGAGGCCCAGGGACCACCACCCAAGGCAGC-3'
Protein context (NP_000325.4, residues 665-685): LSVLRSFRLL[Arg675Trp]VFKLAKSWPT

ClinVar aggregate classification (germline): Pathogenic/Likely pathogenic. Review status: criteria provided, multiple submitters, no conflicts (2 of 4 stars). 11 submissions from 11 submitters: Pathogenic (8); Likely pathogenic (1). 2 of the submissions do not count toward it. Last evaluated 2026-03-25.

Conditions:
Paramyotonia congenita of Von Eulenburg. Also called: Eulenburg disease; Myotonia congenita intermittens; Von Eulenburg paramyotonia congenita; Paramyotonia Congenita; PARALYSIS PERIODICA PARAMYOTONICA. Identifiers: Orphanet 684, MedGen C0221055, MONDO:0008195, OMIM 168300. Disease mechanism: loss of function.
Hyperkalemic periodic paralysis. Also called: Gamstorp disease; Familial hyperkalemic periodic paralysis. Identifiers: Orphanet 682, MedGen C0238357, MONDO:0008224, OMIM 170500, HP:0007215.
Normokalemic periodic paralysis, potassium-sensitive. Identifiers: MedGen C1868433.

Allele frequency attached by ClinVar (database versions not stated): gnomAD exomes 0.00001; TOPMed below 0.00001; ExAC 0.00001; gnomAD 0.00001.

Submissions (11):

Dasa
Classification: Pathogenic. Last evaluated: 2026-03-25. Review status: criteria provided, single submitter. Criteria: DASA Assertion Criteria. Collection method: clinical testing. Allele origin: germline.
Comment: NM_000334.4(SCN4A):c.2023C>T (p.Arg675Trp) is a missense variant that results in the substitution of arginine with tryptophan. The affected residue or protein region has prior evidence supporting clinical relevance. Functional evidence supports a deleterious effect on the gene or gene product (PMID: 15596759; PMID: 29606556; PMID: 32962503; PMID: 19052238). This variant has been recurrently observed in individuals with related phenotype (PMID: 15596759; PMID: 29606556; PMID: 32962503; PMID: 19052238). Multiple computational predictions support a deleterious effect on the gene or gene product. The variant is present at low frequency in population datasets. Based on the available data, this variant is classified as pathogenic.

GeneDx
Classification: Pathogenic. Last evaluated: 2025-10-26. Review status: criteria provided, single submitter. Criteria: GeneDx Variant Classification Process June 2021. Collection method: clinical testing. Allele origin: germline. Affected: yes.
Comment: In silico analysis supports that this missense variant has a deleterious effect on protein structure/function; Not observed at significant frequency in large population cohorts (gnomAD); This variant is associated with the following publications: (PMID: 31708864, 19201608, 19052238, 22016737, 32962503, 24772081, 20301669, 29930533, 22926674, 29606556, 15596759, 38951973)

Labcorp Genetics (formerly Invitae), Labcorp
Classification: Pathogenic for Hyperkalemic periodic paralysis. Last evaluated: 2025-09-22. Review status: criteria provided, single submitter. Criteria: Invitae Variant Classification Sherloc (09022015). Collection method: clinical testing. Allele origin: germline.
Comment: This sequence change replaces arginine, which is basic and polar, with tryptophan, which is neutral and slightly polar, at codon 675 of the SCN4A protein (p.Arg675Trp). This variant is present in population databases (rs121908556, gnomAD 0.003%). This missense change has been observed in individuals with autosomal dominant SCN4A-related conditions (PMID: 15596759, 29606556). ClinVar contains an entry for this variant (Variation ID: 5902). Invitae Evidence Modeling of protein sequence and biophysical properties (such as structural, functional, and spatial information, amino acid conservation, physicochemical variation, residue mobility, and thermodynamic stability) indicates that this missense variant is expected to disrupt SCN4A protein function with a positive predictive value of 95%. Experimental studies have shown that this missense change affects SCN4A function (PMID: 19052238). This variant disrupts the p.Arg675 amino acid residue in SCN4A. Other variant(s) that disrupt this residue have been determined to be pathogenic (PMID: 15596759, 19052238, 22926674). This suggests that this residue is clinically significant, and that variants that disrupt this residue are likely to be disease-causing. For these reasons, this variant has been classified as Pathogenic.

Women's Health and Genetics/Laboratory Corporation of America, LabCorp
Classification: Pathogenic for Hyperkalemic periodic paralysis. Last evaluated: 2024-12-30. Review status: criteria provided, single submitter. Criteria: LabCorp Variant Classification Summary - May 2015. Collection method: clinical testing. Allele origin: germline.
Comment: Variant summary: SCN4A c.2023C>T (p.Arg675Trp) results in a non-conservative amino acid change in the encoded protein sequence. Five of five in-silico tools predict a damaging effect of the variant on protein function. The variant allele was found at a frequency of 1.2e-05 in 243902 control chromosomes. c.2023C>T has been reported in the literature in multiple individuals affected with Periodic Hyperkalemic Paralysis (examples: Shin_2024, Stunnenberg_2018, ArzelHezode_2009, Vicart_2004). These data indicate that the variant is very likely to be associated with disease. At least one publication reports experimental evidencethat the variant changes the normal function of the protein (Sokolov_2008). The following publications have been ascertained in the context of this evaluation (PMID: 38951973, 19052238, 15596759, 19201608, 15596759). ClinVar contains an entry for this variant (Variation ID: 5902). To our knowledge, this variant has not been reported in individuals with autosomal recessive Congenital Myopathy. Based on the evidence outlined above, this variant is pathogenic for autosomal dominant Periodic Hyperkalemic Paralysis.

CeGaT Center for Human Genetics Tuebingen
Classification: Pathogenic. Last evaluated: 2020-10-01. Review status: criteria provided, single submitter. Criteria: CeGaT Center For Human Genetics Tuebingen Variant Classification Criteria Version 2. Collection method: clinical testing. Allele origin: germline. Affected: yes. Observed: 1 variant allele.

Institute of Human Genetics Munich, TUM University Hospital
Classification: Pathogenic for Paramyotonia congenita of Von Eulenburg. Last evaluated: 2020-07-01. Review status: criteria provided, single submitter. Criteria: Classification criteria August 2017. Collection method: clinical testing. Allele origin: paternal, germline. Inheritance: Autosomal dominant inheritance. Affected: yes. Observed: 3 heterozygotes.

Revvity Omics, Revvity
Classification: Likely pathogenic. Last evaluated: 2020-03-21. Review status: criteria provided, single submitter. Criteria: ACMG Guidelines, 2015. Collection method: clinical testing. Allele origin: germline.

Athena Diagnostics
Classification: Pathogenic. Last evaluated: 2016-06-08. Review status: criteria provided, single submitter. Criteria: Athena Diagnostics Criteria. Collection method: clinical testing. Allele origin: germline.

Juno Genomics, Hangzhou Juno Genomics, Inc
Classification: Pathogenic for Paramyotonia congenita of Von Eulenburg. Review status: criteria provided, single submitter. Criteria: ACMG Guidelines, 2015. Collection method: clinical testing. Allele origin: germline.
Comment: Absent from controls (or at extremely low frequency if recessive) in Genome Aggregation Database.;Novel missense change at an amino acid residue where a different missense change determined to be pathogenic has been seen before.;Well-established in vitro or in vivo functional studies supportive of a damaging effect on the gene or gene product.;The prevalence of the variant in affected individuals is significantly increased compared to the prevalence in controls.;Patient's phenotype or family history is highly specific for a disease with a single genetic etiology.

OMIM
Classification: Pathogenic for NORMOKALEMIC PERIODIC PARALYSIS, POTASSIUM-SENSITIVE. Last evaluated: 2004-12-14. Review status: no assertion criteria provided. Collection method: literature only. Allele origin: germline. Not counted in ClinVar's aggregate classification.

GeneReviews
No classification provided. Condition: Hyperkalemic periodic paralysis. Review status: no classification provided. Collection method: literature only. Allele origin: germline. Affected: yes. Not counted in ClinVar's aggregate classification.

Literature cited by the submitters: PubMed 15596759 (cited by 6 submitters); PubMed 29606556 (cited by Dasa and Labcorp Genetics (formerly Invitae), Labcorp); PubMed 32962503 (cited by Dasa); PubMed 19052238 (cited by 4 submitters); PubMed 22926674 (cited by Labcorp Genetics (formerly Invitae), Labcorp); PubMed 19201608 (cited by Women's Health and Genetics/Laboratory Corporation of America, LabCorp and Athena Diagnostics); PubMed 38951973 (cited by Women's Health and Genetics/Laboratory Corporation of America, LabCorp); NCBI Bookshelf NBK1496 (cited by GeneReviews).